The following is an entry in ClinVar:

NM_015040.4(PIKFYVE):c.3112C>T (p.Arg1038Ter)

Gene: PIKFYVE (phosphoinositide kinase, FYVE-type zinc finger containing; plus strand). Cytogenetic location: 2q34.
Variant type: single nucleotide variant.
Coding change: c.3112C>T on transcript NM_015040.4 (MANE Select); coding-DNA position 3112, C replaced by T.
Protein change: p.Arg1038Ter; replaces arginine 1038 with a stop codon.
Molecular consequence: nonsense.
Genome position (GRCh38, 1-based): chr2:208,325,923, C>T. VCF-style: chr2-208325923-C-T. GRCh37 (hg19) VCF-style: chr2-209190647-C-T.
Other names: short protein forms R1038*.
Identifiers: ClinVar variation 2636706 (VCV002636706.1), dbSNP rs1011857582, ClinGen allele CA64596420.

ClinVar aggregate classification (germline): Pathogenic (1 of 4 stars; one submission).

Conditions:
PIKFYVE-related disorder. Also called: PIKFYVE-related condition.

Allele frequency attached by ClinVar (database versions not stated): TOPMed below 0.00001; gnomAD 0.00001.

Submission:

PreventionGenetics, part of Exact Sciences
Classification: Pathogenic for PIKFYVE-related condition. Last evaluated: 2023-04-03. Review status: criteria provided, single submitter. Criteria: ACMG Guidelines, 2015. Collection method: clinical testing. Allele origin: germline.
Comment: The PIKFYVE c.3112C>T variant is predicted to result in premature protein termination (p.Arg1038*). This variant has been reported in individuals with corneal fleck dystrophy (described as 3270C>T, R1038X in Li et al. 2005. PubMed ID: 15902656; Weiss et al. 2008. PubMed ID: 19337156). This variant is reported in 0.0033% of alleles in individuals of South Asian descent in gnomAD. Nonsense variants in PIKFYVE are expected to be pathogenic. Taken together, this variant is interpreted as pathogenic.